The following is an entry in ClinVar:

NM_013275.6(ANKRD11):c.6513del (p.Val2173fs)

Gene: ANKRD11 (ankyrin repeat domain 11; minus strand). Cytogenetic location: 16q24.3.
Variant type: Deletion.
Coding change: c.6513del on transcript NM_013275.6 (MANE Select); coding-DNA position 6513, one base deleted (C; older notation c.6513delC).
Protein change: p.Val2173fs; shifts the reading frame from valine 2173.
Molecular consequence: frameshift variant.
Genome position (GRCh38, 1-based): chr16:89,280,029, G deleted on the plus strand (C on the coding strand, the reverse complement: ANKRD11 is on the minus strand); the first of 5 consecutive G bases (chr16:89,280,029-89,280,033); deleting any one gives the same sequence. VCF-style (leftmost placement, unchanged base first): chr16-89280028-CG-C. GRCh37 (hg19) VCF-style: chr16-89346436-CG-C.
Other names: c.6513del, p.Val2173fs (NM_001256182.2, NM_001256183.2); short protein forms V2173fs.
Identifiers: ClinVar variation 504035 (VCV000504035.3), dbSNP rs1555525603, ClinGen allele CA658798656.

ClinVar aggregate classification (germline): Pathogenic. Review status: criteria provided, multiple submitters, no conflicts (2 of 4 stars). 2 submissions from 2 submitters: Pathogenic (2). Last evaluated 2023-02-23.

Conditions:
KBG syndrome (KBGS). Also called: ANKRD11-Related KBG Syndrome. Identifiers: Orphanet 2332, MedGen C0220687, MONDO:0007846, OMIM 148050.

Submissions (2):

3billion
Classification: Pathogenic for KBG syndrome. Last evaluated: 2023-02-23. Review status: criteria provided, single submitter. Criteria: ACMG Guidelines, 2015. Collection method: clinical testing. Allele origin: unknown. Affected: yes.
Comment: The variant is not observed in the gnomAD v2.1.1 dataset. This variant was predicted to result in a loss or disruption of normal protein function through nonsense-mediated decay (NMD) or protein truncation. Multiple pathogenic variants are reported downstream of the variant. The variant has been reported to be associated with ANKRD11 related disorder (ClinVar ID: VCV000504035). Therefore, this variant is classified as Pathogenic according to the recommendation of ACMG/AMP guideline.

GeneDx
Classification: Pathogenic. Last evaluated: 2017-12-29. Review status: criteria provided, single submitter. Criteria: GeneDx Variant Classification (06012015). Collection method: clinical testing. Allele origin: germline. Affected: yes.
Comment: The c.6513delC variant in the ANKRD11 gene has not been reported previously as a pathogenic variant nor as a benign variant, to our knowledge. The c.6513delC variant causes a frameshift starting with codon Valine 2173, changes this amino acid to a Serine residue, and creates a premature Stop codon at position 2 of the new reading frame, denoted p.Val2173SerfsX2. This variant is predicted to cause loss of normal protein function either through protein truncation or nonsense-mediated mRNA decay. The c.6513delC variant is not observed in large population cohorts (Lek et al., 2016). We interpret c.6513delC as a pathogenic variant.